The following is an entry in ClinVar:

NM_018684.4(ZC4H2):c.92T>C (p.Leu31Ser)

Gene: ZC4H2 (zinc finger C4H2-type containing; minus strand). Cytogenetic location: Xq11.2.
Variant type: single nucleotide variant.
Coding change: c.92T>C on transcript NM_018684.4 (MANE Select); coding-DNA position 92, T replaced by C.
Protein change: p.Leu31Ser; replaces leucine 31 with serine.
Molecular consequence: missense variant. On other transcripts: non-coding transcript variant (1).
Genome position (GRCh38, 1-based): chrX:64,921,950, A>G on the plus strand (T>C on the coding strand, the complement: ZC4H2 is on the minus strand). VCF-style: chrX-64921950-A-G. GRCh37 (hg19) VCF-style: chrX-64141830-A-G.
Other names: c.23T>C, p.Leu8Ser (NM_001178032.3, NM_001243804.2); c.92T>C, p.Leu31Ser (NM_001178033.3); short protein forms L31S, L8S.
Identifiers: ClinVar variation 2571669 (VCV002571669.1), dbSNP rs2519696527, ClinGen allele CA413412401.
Genomic context (GRCh38, chrX:64,921,950, plus strand): 5'-TCCTGCTTGTATTCCTTCAGGTGCCTTTCCTCTGACTCAAGTGCCTCAAACTCAGCCTTC[A>G]AACGAGCCTTGATCTTCTCCATCTGCAGGGTCTTGTTCCTGCAATTTGCAAAAAGCAGGA-3'
Protein context (NP_061154.1, residues 21-41): TLQMEKIKAR[Leu31Ser]KAEFEALESE

ClinVar aggregate classification (germline): Uncertain significance (1 of 4 stars; one submission).

Submission:

GeneDx
Classification: Uncertain significance. Last evaluated: 2023-01-10. Review status: criteria provided, single submitter. Criteria: GeneDx Variant Classification Process June 2021. Collection method: clinical testing. Allele origin: germline. Affected: yes.
Comment: Not observed at significant frequency in large population cohorts (gnomAD); In silico analysis supports that this missense variant has a deleterious effect on protein structure/function; Has not been previously published as pathogenic or benign to our knowledge